The following is an entry in ClinVar:

NM_031892.3(SH3KBP1):c.1963G>A (p.Val655Met)

Gene: SH3KBP1 (SH3 domain containing kinase binding protein 1; minus strand). Cytogenetic location: Xp22.12.
Variant type: single nucleotide variant.
Coding change: c.1963G>A on transcript NM_031892.3 (MANE Select); coding-DNA position 1963, G replaced by A.
Protein change: p.Val655Met; replaces valine 655 with methionine.
Molecular consequence: missense variant.
Genome position (GRCh38, 1-based): chrX:19,536,452, C>T on the plus strand (G>A on the coding strand, the complement: SH3KBP1 is on the minus strand). VCF-style: chrX-19536452-C-T. GRCh37 (hg19) VCF-style: chrX-19554570-C-T.
Other names: c.1852G>A, p.Val618Met (NM_001024666.3); c.1249G>A, p.Val417Met (NM_001184960.2); c.1834G>A, p.Val612Met (NM_001353890.2); c.2038G>A, p.Val680Met (NM_001353891.2); c.1909G>A, p.Val637Met (NM_001353892.2); c.1861G>A, p.Val621Met (NM_001353893.2); c.1732G>A, p.Val578Met (NM_001353894.2); c.1789G>A, p.Val597Met (NM_001353895.2); and 4 more; short protein forms V553M, V655M, V417M, V578M, V612M, V618M, V621M, V656M.
Identifiers: ClinVar variation 3679029 (VCV003679029.2).

ClinVar aggregate classification (germline): Uncertain significance (1 of 4 stars; one submission).

Submission:

Labcorp Genetics (formerly Invitae), Labcorp
Classification: Uncertain significance. Last evaluated: 2024-06-17. Review status: criteria provided, single submitter. Criteria: Invitae Variant Classification Sherloc (09022015). Collection method: clinical testing. Allele origin: germline.
Comment: This sequence change replaces valine, which is neutral and non-polar, with methionine, which is neutral and non-polar, at codon 655 of the SH3KBP1 protein (p.Val655Met). This variant is present in population databases (no rsID available, gnomAD 0.02%). This variant has not been reported in the literature in individuals affected with SH3KBP1-related conditions. Advanced modeling of protein sequence and biophysical properties (such as structural, functional, and spatial information, amino acid conservation, physicochemical variation, residue mobility, and thermodynamic stability) performed at Invitae indicates that this missense variant is not expected to disrupt SH3KBP1 protein function with a negative predictive value of 80%. In summary, the available evidence is currently insufficient to determine the role of this variant in disease. Therefore, it has been classified as a Variant of Uncertain Significance.